The following is an entry in ClinVar:

ClinVar aggregate classification (germline): Uncertain significance. Review status: criteria provided, multiple submitters, no conflicts (2 of 4 stars). 2 submissions from 2 submitters: Uncertain significance (2). Last evaluated 2024-05-01.

Allele frequency attached by ClinVar (database versions not stated): gnomAD 0.00001; gnomAD exomes 0.00001 and 0.00002; TOPMed 0.00001.
gnomAD v4.1: 24 of 1,614,096 alleles (0.0015%); highest among the groups gnomAD compares: Non-Finnish European, 0.0019%; no homozygotes.

Submissions (2):

CeGaT Center for Human Genetics Tuebingen
Classification: Uncertain significance. Last evaluated: 2024-05-01. Review status: criteria provided, single submitter. Criteria: CeGaT Center For Human Genetics Tuebingen Variant Classification Criteria Version 2. Collection method: clinical testing. Allele origin: germline. Affected: yes. Observed: 1 variant allele.
Comment: KMT2A: PP2, BS1:Supporting

Labcorp Genetics (formerly Invitae), Labcorp
Classification: Uncertain significance. Last evaluated: 2023-08-04. Review status: criteria provided, single submitter. Criteria: Invitae Variant Classification Sherloc (09022015). Collection method: clinical testing. Allele origin: germline.
Comment: ClinVar contains an entry for this variant (Variation ID: 1488344). This sequence change replaces leucine, which is neutral and non-polar, with phenylalanine, which is neutral and non-polar, at codon 3462 of the KMT2A protein (p.Leu3462Phe). This variant is present in population databases (no rsID available, gnomAD 0.002%). This variant has not been reported in the literature in individuals affected with KMT2A-related conditions. Advanced modeling of protein sequence and biophysical properties (such as structural, functional, and spatial information, amino acid conservation, physicochemical variation, residue mobility, and thermodynamic stability) performed at Invitae indicates that this missense variant is not expected to disrupt KMT2A protein function. In summary, the available evidence is currently insufficient to determine the role of this variant in disease. Therefore, it has been classified as a Variant of Uncertain Significance.

NM_001197104.2(KMT2A):c.10384C>T (p.Leu3462Phe)

Gene: KMT2A (lysine methyltransferase 2A; plus strand). Cytogenetic location: 11q23.3.
Variant type: single nucleotide variant.
Coding change: c.10384C>T on transcript NM_001197104.2 (MANE Select); coding-DNA position 10384, C replaced by T.
Protein change: p.Leu3462Phe; replaces leucine 3462 with phenylalanine.
Molecular consequence: missense variant.
Genome position (GRCh38, 1-based): chr11:118,506,276, C>T. VCF-style: chr11-118506276-C-T. GRCh37 (hg19) VCF-style: chr11-118376991-C-T.
Other names: c.10375C>T, p.Leu3459Phe (NM_005933.4); short protein forms L3459F, L3462F.
Identifiers: ClinVar variation 1488344 (VCV001488344.27), dbSNP rs1350317713, ClinGen allele CA382825578.